The following is an entry in ClinVar:

ClinVar aggregate classification (germline): Uncertain significance (1 of 4 stars; one submission).

Allele frequency attached by ClinVar (database versions not stated): gnomAD 0.00001.
gnomAD v4.1: 1 of 1,613,928 alleles (0.000062%); highest among the groups gnomAD compares: East Asian, 0.0022%; no homozygotes.

Submission:

Labcorp Genetics (formerly Invitae), Labcorp
Classification: Uncertain significance. Last evaluated: 2024-06-03. Review status: criteria provided, single submitter. Criteria: Invitae Variant Classification Sherloc (09022015). Collection method: clinical testing. Allele origin: germline.
Comment: This sequence change replaces serine, which is neutral and polar, with arginine, which is basic and polar, at codon 1483 of the POLE protein (p.Ser1483Arg). This variant is not present in population databases (gnomAD no frequency). This variant has not been reported in the literature in individuals affected with POLE-related conditions. ClinVar contains an entry for this variant (Variation ID: 1488612). Advanced modeling of protein sequence and biophysical properties (such as structural, functional, and spatial information, amino acid conservation, physicochemical variation, residue mobility, and thermodynamic stability) performed at Invitae indicates that this missense variant is not expected to disrupt POLE protein function with a negative predictive value of 80%. In summary, the available evidence is currently insufficient to determine the role of this variant in disease. Therefore, it has been classified as a Variant of Uncertain Significance.

NM_006231.4(POLE):c.4447A>C (p.Ser1483Arg)

Gene: POLE (DNA polymerase epsilon, catalytic subunit; minus strand). Cytogenetic location: 12q24.33.
Variant type: single nucleotide variant.
Coding change: c.4447A>C on transcript NM_006231.4 (MANE Select); coding-DNA position 4447, A replaced by C.
Protein change: p.Ser1483Arg; replaces serine 1483 with arginine.
Molecular consequence: missense variant.
Genome position (GRCh38, 1-based): chr12:132,643,328, T>G on the plus strand (A>C on the coding strand, the complement: POLE is on the minus strand). VCF-style: chr12-132643328-T-G. GRCh37 (hg19) VCF-style: chr12-133219914-T-G.
Other names: short protein forms S1483R.
Identifiers: ClinVar variation 1488612 (VCV001488612.6), dbSNP rs1475068188, ClinGen allele CA387380819.